The following is an entry in ClinVar:

ClinVar aggregate classification (germline): Uncertain significance (1 of 4 stars; one submission).

Allele frequency attached by ClinVar (database versions not stated): ESP Exome Variant Server 0.00008; 1000 Genomes Project 30x 0.00047; 1000 Genomes Project 0.00060.
gnomAD v4.1: 86 of 1,614,142 alleles (0.0053%); highest among the groups gnomAD compares: Admixed American, 0.005%; no homozygotes.

Submission:

Labcorp Genetics (formerly Invitae), Labcorp
Classification: Uncertain significance. Last evaluated: 2025-02-10. Review status: criteria provided, single submitter. Criteria: Invitae Variant Classification Sherloc (09022015). Collection method: clinical testing. Allele origin: germline.
Comment: This sequence change replaces threonine, which is neutral and polar, with methionine, which is neutral and non-polar, at codon 581 of the C8A protein (p.Thr581Met). This variant is present in population databases (rs143726641, gnomAD 0.07%). This variant has not been reported in the literature in individuals affected with C8A-related conditions. ClinVar contains an entry for this variant (Variation ID: 1400982). An algorithm developed to predict the effect of missense changes on protein structure and function (PolyPhen-2) suggests that this variant is likely to be disruptive. In summary, the available evidence is currently insufficient to determine the role of this variant in disease. Therefore, it has been classified as a Variant of Uncertain Significance.

NM_000562.3(C8A):c.1742C>T (p.Thr581Met)

Gene: C8A (complement C8 alpha chain; plus strand). Cytogenetic location: 1p32.2.
Variant type: single nucleotide variant.
Coding change: c.1742C>T on transcript NM_000562.3 (MANE Select); coding-DNA position 1742, C replaced by T.
Protein change: p.Thr581Met; replaces threonine 581 with methionine.
Molecular consequence: missense variant.
Genome position (GRCh38, 1-based): chr1:56,917,703, C>T. VCF-style: chr1-56917703-C-T. GRCh37 (hg19) VCF-style: chr1-57383376-C-T.
Other names: short protein forms T581M.
Identifiers: ClinVar variation 1400982 (VCV001400982.6), dbSNP rs143726641, ClinGen allele CA875499.